The following is an entry in ClinVar:

NM_004068.4(AP2M1):c.953A>C (p.Gln318Pro)

Gene: AP2M1 (adaptor related protein complex 2 subunit mu 1; plus strand). Cytogenetic location: 3q27.1.
Variant type: single nucleotide variant.
Coding change: c.953A>C on transcript NM_004068.4 (MANE Select); coding-DNA position 953, A replaced by C.
Protein change: p.Gln318Pro; replaces glutamine 318 with proline.
Molecular consequence: missense variant.
Genome position (GRCh38, 1-based): chr3:184,182,037, A>C. VCF-style: chr3-184182037-A-C. GRCh37 (hg19) VCF-style: chr3-183899825-A-C.
Other names: c.947A>C, p.Gln316Pro (NM_001025205.2); c.1028A>C, p.Gln343Pro (NM_001311198.2); short protein forms Q318P, Q316P, Q343P.
Identifiers: ClinVar variation 1410166 (VCV001410166.8), dbSNP rs2109031771, ClinGen allele CA355428476.

ClinVar aggregate classification (germline): Uncertain significance (1 of 4 stars; one submission).

Submission:

Labcorp Genetics (formerly Invitae), Labcorp
Classification: Uncertain significance. Last evaluated: 2022-07-12. Review status: criteria provided, single submitter. Criteria: Invitae Variant Classification Sherloc (09022015). Collection method: clinical testing. Allele origin: germline.
Comment: In summary, the available evidence is currently insufficient to determine the role of this variant in disease. Therefore, it has been classified as a Variant of Uncertain Significance. Algorithms developed to predict the effect of missense changes on protein structure and function are either unavailable or do not agree on the potential impact of this missense change (SIFT: "Deleterious"; PolyPhen-2: "Probably Damaging"; Align-GVGD: "Class C15"). ClinVar contains an entry for this variant (Variation ID: 1410166). This variant has not been reported in the literature in individuals affected with AP2M1-related conditions. This variant is not present in population databases (gnomAD no frequency). This sequence change replaces glutamine, which is neutral and polar, with proline, which is neutral and non-polar, at codon 318 of the AP2M1 protein (p.Gln318Pro).